The following is an entry in ClinVar:

NM_032043.3(BRIP1):c.1552G>A (p.Val518Ile)

Gene: BRIP1 (BRCA1 interacting DNA helicase 1; minus strand). Cytogenetic location: 17q23.2.
Variant type: single nucleotide variant.
Coding change: c.1552G>A on transcript NM_032043.3 (MANE Select); coding-DNA position 1552, G replaced by A.
Protein change: p.Val518Ile; replaces valine 518 with isoleucine.
Molecular consequence: missense variant.
Genome position (GRCh38, 1-based): chr17:61,784,346, C>T on the plus strand (G>A on the coding strand, the complement: BRIP1 is on the minus strand). VCF-style: chr17-61784346-C-T. GRCh37 (hg19) VCF-style: chr17-59861707-C-T.
Other names: short protein forms V518I.
Identifiers: ClinVar variation 184796 (VCV000184796.24), dbSNP rs786201701, ClinGen allele CA190066.
Genomic context (GRCh38, chr17:61,784,346, plus strand): 5'-AAAGATAGTCAAGTACCATAAAAAGTCCTTTAAGCATTATTTGAGTTGATGCACTAATAA[C>T]AGGTACTTCTCTTGCCTCCTCTTTACCATAAATTGGTGAGATTTTTTCCTCTTTTTGAAG-3'
Protein context (NP_114432.2, residues 508-528): YGKEEAREVP[Val518Ile]ISASTQIMLK

ClinVar aggregate classification (germline): Conflicting classifications of pathogenicity. Review status: criteria provided, conflicting classifications (1 of 4 stars). 7 submissions from 7 submitters: Uncertain significance (4); Likely benign (2). 1 of the submissions does not count toward it. Last evaluated 2026-01-20.

Conditions:
Hereditary cancer-predisposing syndrome. Also called: Tumor predisposition; Hereditary Cancer Syndrome; Hereditary neoplastic syndrome; Neoplastic Syndromes, Hereditary. Identifiers: Orphanet 140162, MedGen C0027672, MeSH D009386, MONDO:0015356.
Familial cancer of breast. Also called: BREAST CANCER, FAMILIAL; hereditary breast carcinoma; Hereditary breast cancer. Identifiers: Orphanet 227535, MedGen C0346153, MONDO:0016419, OMIM 114480. Disease mechanism: loss of function.
Fanconi anemia complementation group J. Also called: BRIP1-Related Fanconi Anemia. Identifiers: Orphanet 84, MedGen C1836860, MONDO:0012187, OMIM 609054.

Allele frequency attached by ClinVar (database versions not stated): gnomAD exomes below 0.00001.
gnomAD v4.1: 4 of 1,613,090 alleles (0.00025%); highest among the groups gnomAD compares: Middle Eastern, 0.033%; no homozygotes.

Submissions (7):

Labcorp Genetics (formerly Invitae), Labcorp
Classification: Uncertain significance for Familial cancer of breast; Fanconi anemia complementation group J. Last evaluated: 2026-01-20. Review status: criteria provided, single submitter. Criteria: Invitae Variant Classification Sherloc (09022015). Collection method: clinical testing. Allele origin: germline.
Comment: This sequence change replaces valine, which is neutral and non-polar, with isoleucine, which is neutral and non-polar, at codon 518 of the BRIP1 protein (p.Val518Ile). This variant is not present in population databases (gnomAD no frequency). This variant has not been reported in the literature in individuals affected with BRIP1-related conditions. ClinVar contains an entry for this variant (Variation ID: 184796). Invitae Evidence Modeling of protein sequence and biophysical properties (such as structural, functional, and spatial information, amino acid conservation, physicochemical variation, residue mobility, and thermodynamic stability) indicates that this missense variant is not expected to disrupt BRIP1 protein function with a negative predictive value of 95%. In summary, the available evidence is currently insufficient to determine the role of this variant in disease. Therefore, it has been classified as a Variant of Uncertain Significance.

Color Diagnostics, LLC DBA Color Health
Classification: Uncertain significance for Hereditary cancer-predisposing syndrome. Last evaluated: 2025-02-25. Review status: criteria provided, single submitter. Criteria: ACMG Guidelines, 2015. Collection method: clinical testing. Allele origin: germline.
Comment: This missense variant replaces valine with isoleucine at codon 518 of the BRIP1 protein. Computational prediction suggests that this variant may not impact protein structure and function. To our knowledge, functional studies have not been reported for this variant. This variant has not been reported in individuals affected with hereditary cancer in the literature. This variant has not been identified in the general population by the Genome Aggregation Database (gnomAD). The available evidence is insufficient to determine the role of this variant in disease conclusively. Therefore, this variant is classified as a Variant of Uncertain Significance.

Quest Diagnostics Nichols Institute San Juan Capistrano
Classification: Uncertain significance. Last evaluated: 2025-02-01. Review status: criteria provided, single submitter. Criteria: Quest Diagnostics criteria. Collection method: clinical testing. Allele origin: unknown.
Comment: This test has identified one copy of the c.1552G>A (p.Val518Ile) variant in the BRIP1 gene. In the published literature, this variant has been reported in individual with breast and/or ovarian cancer (PMID: 32885271 2021)) and in an individual with prostate cancer (PMID: 36922933 (2022)). This variant has not been reported in large, multi-ethnic general populations (Genome Aggregation Database). Analysis of this variant using bioinformatics tools (i.e., MutationTaster and PolyPhen-2) for the prediction of the effect of amino acid changes on protein structure and function yielded predictions that this variant is benign. Based on the available information, we are unable to determine the clinical significance of this variant.

GeneDx
Classification: Likely benign. Last evaluated: 2020-11-24. Review status: criteria provided, single submitter. Criteria: GeneDx Variant Classification Process June 2021. Collection method: clinical testing. Allele origin: germline. Affected: yes.

Women's Health and Genetics/Laboratory Corporation of America, LabCorp
Classification: Uncertain significance. Last evaluated: 2020-02-25. Review status: criteria provided, single submitter. Criteria: LabCorp Variant Classification Summary - May 2015. Collection method: clinical testing. Allele origin: germline.
Comment: Variant summary: BRIP1 c.1552G>A (p.Val518Ile) results in a conservative amino acid change in the encoded protein sequence. Five of five in-silico tools predict a benign effect of the variant on protein function. The variant was absent in 251388 control chromosomes. The available data on variant occurrences in the general population are insufficient to allow any conclusion about variant significance. To our knowledge, no occurrence of c.1552G>A in individuals affected with Hereditary Breast and Ovarian Cancer and no experimental evidence demonstrating its impact on protein function have been reported. Three clinical diagnostic laboratories have submitted clinical-significance assessments for this variant to ClinVar after 2014 without evidence for independent evaluation (likely benign, n=1; VUS, n=2). Based on the evidence outlined above, the variant was classified as uncertain significance.

Ambry Genetics
Classification: Likely benign for Hereditary cancer-predisposing syndrome. Last evaluated: 2019-09-17. Review status: criteria provided, single submitter. Criteria: Ambry Variant Classification Scheme 2023. Collection method: clinical testing. Allele origin: germline.

Department of Pathology and Laboratory Medicine, Sinai Health System
Classification: Uncertain significance. Review status: no assertion criteria provided. Collection method: clinical testing. Allele origin: unknown. Affected: yes. Study: The Canadian Open Genetics Repository (COGR). Not counted in ClinVar's aggregate classification.
Comment: The BRIP1 p.Val518Ile variant was not identified in the literature nor was it identified in the following databases: MutDB, Cosmic, or Zhejiang Colon Cancer Database. The variant was identified in dbSNP (ID: rs786201701) as â€šÃ„ÃºWith Uncertain significance alleleâ€šÃ„Ã¹, ClinVar (as likely benign by GeneDx, and as uncertain significance by Ambry Genetics and Invitae), and Clinvitae (3x). The variant was not identified in the following control databases: the 1000 Genomes Project, the NHLBI GO Exome Sequencing Project, the Exome Aggregation Consortium (August 8th 2016); it was identified in the Genome Aggregation Database (Feb 27, 2017) in 1 of 111652 European (non-Finnish) chromosomes (freq: 0.0000090) but not in other populations. The p.Val518 residue is not conserved in mammals and the variant amino acid Isoleucine (Ile) is present in rats, mouse, dogs, platypus, and chickens, increasing the likelihood that this variant does not have clinical significance. In addition, computational analyses (PolyPhen-2, SIFT, AlignGVGD, BLOSUM, MutationTaster) do not suggest a high likelihood of impact to the protein; however, this information is not predictive enough to rule out pathogenicity. The variant occurs outside of the splicing consensus sequence and in silico or computational prediction software programs (SpliceSiteFinder, MaxEntScan, NNSPLICE, GeneSplicer, HumanSpliceFinder) do not predict a difference in splicing. In summary, based on the above information the clinical significance of this variant cannot be determined with certainty at this time. This variant is classified as a variant of uncertain significance.

Literature cited by the submitters: PubMed 32885271 (cited by Quest Diagnostics Nichols Institute San Juan Capistrano); PubMed 36922933 (cited by Quest Diagnostics Nichols Institute San Juan Capistrano); PubMed 24123366 (cited by Quest Diagnostics Nichols Institute San Juan Capistrano).